The following is an entry in ClinVar:

NM_000238.4(KCNH2):c.2745_2763del (p.Pro917fs)

Gene: KCNH2 (potassium voltage-gated channel subfamily H member 2; minus strand). Cytogenetic location: 7q36.1.
Variant type: Deletion.
Coding change: c.2745_2763del on transcript NM_000238.4 (MANE Select); coding-DNA positions 2745 to 2763, 19 bases deleted (AGGGCCGAGTAGCCGGGGC).
Protein change: p.Pro917fs; shifts the reading frame from proline 917.
Molecular consequence: frameshift variant.
Genome position (GRCh38, 1-based): chr7:150,947,808-150,947,826, GCCCCGGCTACTCGGCCCT deleted on the plus strand (AGGGCCGAGTAGCCGGGGC on the coding strand, the reverse complement: KCNH2 is on the minus strand); deleting any 19 consecutive bases within chr7:150,947,808-150,947,831 gives the same sequence; the c. name uses the placement nearest the transcript's 3' end. VCF-style (leftmost placement, unchanged base first): chr7-150947807-GGCCCCGGCTACTCGGCCCT-G. GRCh37 (hg19) VCF-style: chr7-150644895-GGCCCCGGCTACTCGGCCCT-G.
Other names: c.2457_2475del, p.Pro821fs (NM_001406753.1); c.1725_1743del, p.Pro577fs (NM_172057.3); c.2740_2758del19, p.Pro917Argfs (NM_000238.3); short protein forms P577fs, P821fs, P917fs.
Identifiers: ClinVar variation 3376939 (VCV003376939.1).
Genomic context (GRCh38, chr7:150,947,807, plus strand): 5'-CACTGCTCTCAGGGCTGGAGGGGCCACTGGACGGGCTCTCCCCCCACGGCCCCCCCGGCC[GGCCCCGGCTACTCGGCCCT>G]GCCCCCGCCCGGCCCGGCCCCAAGGCCGACACCTCCCCTGGCTGCTCCGTGTCTGTGGGA-3'

ClinVar aggregate classification (germline): Pathogenic (1 of 4 stars; one submission).

Conditions:
Long QT syndrome 2 (LQT2). Identifiers: Orphanet 101016, Orphanet 768, MedGen C3150943, MONDO:0013367, OMIM 613688.

Submission:

Victorian Clinical Genetics Services, Murdoch Childrens Research Institute
Classification: Pathogenic for Long QT syndrome 2. Last evaluated: 2024-10-09. Review status: criteria provided, single submitter. Criteria: ACMG Guidelines, 2015. Collection method: clinical testing. Allele origin: germline. Inheritance: Autosomal dominant inheritance. Affected: yes.
Comment: Based on the classification scheme VCGS_Germline_v1.3.4, this variant is classified as Pathogenic. Following criteria are met: 0103 - Dominant negative and loss of function are known mechanisms of disease in this gene and are associated with long QT syndrome 2 (MIM#613688). Gain of function is also a known mechanism associated with short QT syndrome 1 (MIM#609620) (OMIM, PMID: 10753933; PMID: 21777565). (I) 0107 - This gene is associated with autosomal dominant disease. (I) 0112 - The condition associated with this gene has incomplete penetrance (PMID: 20301308). (I) 0201 - Variant is predicted to cause nonsense-mediated decay (NMD) and loss of protein (premature termination codon is located at least 54 nucleotides upstream of the final exon-exon junction). (SP) 0251 - This variant is heterozygous. (I) 0301 - Variant is absent from gnomAD (both v2 and v3). (SP) 0701 - Other NMD predicted variants comparable to the one identified in this case have very strong previous evidence for pathogenicity (DECIPHER). (SP) 0803 - This variant has limited previous evidence of pathogenicity in an unrelated individual. This variant has been observed in one individual with long QT syndrome (PMID: 32893267). (SP) 0905 - No published segregation evidence has been identified for this variant. (I) 1007 - No published functional evidence has been identified for this variant. (I) Legend: (SP) - Supporting pathogenic, (I) - Information, (SB) - Supporting benign

Literature cited by the submitters: PubMed 10753933; PubMed 20301308; PubMed 21777565; PubMed 32893267.